The following is an entry in ClinVar:

NM_000038.6(APC):c.5387_5390del (p.Lys1796fs)

Gene: APC (APC regulator of Wnt signaling pathway; plus strand). Cytogenetic location: 5q22.2.
Variant type: Deletion.
Coding change: c.5387_5390del on transcript NM_000038.6 (MANE Select); coding-DNA positions 5387 to 5390, 4 bases deleted (AAAA; older notation c.5387_5390delAAAA).
Protein change: p.Lys1796fs; shifts the reading frame from lysine 1796.
Molecular consequence: frameshift variant. On other transcripts: non-coding transcript variant (2).
Genome position (GRCh38, 1-based): chr5:112,840,981-112,840,984, AAAA deleted; deleting any 4 consecutive bases within chr5:112,840,979-112,840,984 gives the same sequence; the c. name uses the placement nearest the transcript's 3' end. VCF-style (leftmost placement, unchanged base first): chr5-112840978-CAAAA-C. GRCh37 (hg19) VCF-style: chr5-112176675-CAAAA-C.
Other names: c.5387_5390del, p.Lys1796fs (NM_001127510.3, NM_001354895.2, NM_001407450.1); c.5333_5336del, p.Lys1778fs (NM_001127511.3); c.5441_5444del, p.Lys1814fs (NM_001354896.2, NM_001407447.1, NM_001407448.1 and 1 more transcripts); c.5417_5420del, p.Lys1806fs (NM_001354897.2); c.5312_5315del, p.Lys1771fs (NM_001354898.2); c.5303_5306del, p.Lys1768fs (NM_001354899.2); c.5264_5267del, p.Lys1755fs (NM_001354900.2); c.5210_5213del, p.Lys1737fs (NM_001354901.2, NM_001407453.1); and 11 more; short protein forms K1713fs, K1778fs, K1806fs, K1412fs, K1670fs, K1695fs, K1755fs, K1786fs.
Identifiers: ClinVar variation 3411448 (VCV003411448.1).

ClinVar aggregate classification (germline): Likely pathogenic (1 of 4 stars; one submission).

Conditions:
Hereditary cancer-predisposing syndrome. Also called: Neoplastic Syndromes, Hereditary; Tumor predisposition; Hereditary Cancer Syndrome; Hereditary neoplastic syndrome. Identifiers: Orphanet 140162, MedGen C0027672, MeSH D009386, MONDO:0015356.

Submission:

Ambry Genetics
Classification: Likely pathogenic for Hereditary cancer-predisposing syndrome. Last evaluated: 2024-10-10. Review status: criteria provided, single submitter. Criteria: Ambry Variant Classification Scheme 2023. Collection method: clinical testing. Allele origin: germline.
Comment: The c.5387_5390delAAAA variant, located in coding exon 15 of the APC gene, results from a deletion of 4 nucleotides at nucleotide positions 5387 to 5390, causing a translational frameshift with a predicted alternate stop codon (p.K1796Ifs*3). This alteration occurs at the 3' terminus of theAPC gene, is not expected to trigger nonsense-mediated mRNA decay, and impacts the last 37% of the protein. However, premature stop codons are typically deleterious in nature and a significant portion of the protein is affected (Ambry internal data). This variant is considered to be rare based on population cohorts in the Genome Aggregation Database (gnomAD). Based on the majority of available evidence to date, this variant is likely to be pathogenic.